The following is an entry in ClinVar:

ClinVar aggregate classification (germline): Uncertain significance. Review status: criteria provided, multiple submitters, no conflicts (2 of 4 stars). 3 submissions from 3 submitters: Uncertain significance (3). Last evaluated 2024-12-27.

Conditions:
Kabuki syndrome 1 (KABUK1). Also called: KMT2D-Related Kabuki Syndrome. Identifiers: Orphanet 2322, MedGen CN030661, MONDO:0007843, OMIM 147920.
Choanal atresia-athelia-hypothyroidism-delayed puberty-short stature syndrome (BCAHH). Also called: BRANCHIAL ARCH ABNORMALITIES, CHOANAL ATRESIA, ATHELIA, HEARING LOSS, AND HYPOTHYROIDISM SYNDROME. Identifiers: Orphanet 589856, MedGen C5680310, MONDO:0035651, OMIM 620186.
KMT2D-related disorder. Also called: KMT2D-Related Disorders.

gnomAD v4.1: 8 of 1,613,644 alleles (0.0005%); highest among the groups gnomAD compares: Admixed American, 0.0017%; no homozygotes.

Submissions (3):

PreventionGenetics, part of Exact Sciences
Classification: Uncertain significance for KMT2D-related condition. Last evaluated: 2024-12-27. Review status: criteria provided, single submitter. Criteria: ACMG Guidelines, 2015. Collection method: clinical testing. Allele origin: germline.
Comment: The KMT2D c.10471C>T variant is predicted to result in the amino acid substitution p.Arg3491Cys. To our knowledge, this variant has not been reported in the literature or in a large population database, indicating this variant is rare. At this time, the clinical significance of this variant is uncertain due to the absence of conclusive functional and genetic evidence.

Fulgent Genetics
Classification: Uncertain significance for Kabuki syndrome 1; Choanal atresia-athelia-hypothyroidism-delayed puberty-short stature syndrome. Last evaluated: 2024-04-29. Review status: criteria provided, single submitter. Criteria: ACMG Guidelines, 2015. Collection method: clinical testing. Allele origin: germline.

GeneDx
Classification: Uncertain significance. Last evaluated: 2022-02-07. Review status: criteria provided, single submitter. Criteria: GeneDx Variant Classification Process June 2021. Collection method: clinical testing. Allele origin: germline. Affected: yes.
Comment: Not observed at significant frequency in large population cohorts (gnomAD); In silico analysis supports that this missense variant has a deleterious effect on protein structure/function; Has not been previously published as pathogenic or benign to our knowledge

NM_003482.4(KMT2D):c.10471C>T (p.Arg3491Cys)

Gene: KMT2D (lysine methyltransferase 2D; minus strand). Cytogenetic location: 12q13.12.
Variant type: single nucleotide variant.
Coding change: c.10471C>T on transcript NM_003482.4 (MANE Select); coding-DNA position 10471, C replaced by T.
Protein change: p.Arg3491Cys; replaces arginine 3491 with cysteine.
Molecular consequence: missense variant.
Genome position (GRCh38, 1-based): chr12:49,034,446, G>A on the plus strand (C>T on the coding strand, the complement: KMT2D is on the minus strand). VCF-style: chr12-49034446-G-A. GRCh37 (hg19) VCF-style: chr12-49428229-G-A.
Other names: short protein forms R3491C.
Identifiers: ClinVar variation 1700547 (VCV001700547.4), dbSNP rs902898516, ClinGen allele CA384728880.